The following is an entry in ClinVar:

ClinVar aggregate classification (germline): Uncertain significance (0 of 4 stars; one submission).

Conditions:
ACACA-related disorder. Also called: ACACA-related condition.

Submission:

PreventionGenetics, part of Exact Sciences
Classification: Uncertain significance for ACACA-related condition. Last evaluated: 2024-06-21. Review status: no assertion criteria provided. Collection method: clinical testing. Allele origin: germline.
Comment: The ACACA c.2094delT variant is predicted to result in a frameshift and premature protein termination (p.Leu698Leufs*7). To our knowledge, this variant has not been reported in the literature. This variant is reported in 0.0015% of alleles in individuals of European (non-Finnish) descent in gnomAD. Loss-of-function has not been established as a disease mechanism for this gene, and therefore the clinical significance of this variant is currently uncertain due to the absence of conclusive functional and genetic evidence.

NM_198834.3(ACACA):c.2094del (p.Pro699fs)

Gene: ACACA (acetyl-CoA carboxylase alpha; minus strand). Cytogenetic location: 17q12.
Variant type: Deletion.
Coding change: c.2094del on transcript NM_198834.3 (MANE Select); coding-DNA position 2094, one base deleted (T; older notation c.2094delT).
Protein change: p.Pro699fs; shifts the reading frame from proline 699.
Molecular consequence: frameshift variant.
Genome position (GRCh38, 1-based): chr17:37,248,662, A deleted on the plus strand (T on the coding strand, the reverse complement: ACACA is on the minus strand); the first of 2 consecutive A bases (chr17:37,248,662-37,248,663); deleting either gives the same sequence. VCF-style (leftmost placement, unchanged base first): chr17-37248661-GA-G. GRCh37 (hg19) VCF-style: chr17-35605585-GA-G.
Other names: c.1983del, p.Pro662fs (NM_198836.3, NM_198839.3); c.1809del, p.Pro604fs (NM_198837.2); c.1749del, p.Pro584fs (NM_198838.2); short protein forms P584fs, P604fs, P662fs, P699fs.
Identifiers: ClinVar variation 3358815 (VCV003358815.1).
Genomic context (GRCh38, chr17:37,248,661, plus strand): 5'-CATACTTGACTCCCTCATAGATAAGTTCAACATCTACTGTATTCAGAAGTGTATGAGCAG[GA>G]AGGACTTGACCCCTGAAAGAACGATGAGAGAGGAACTTACTACAAAGTTCTAACAGTTAT-3'